The following is an entry in ClinVar:

NM_004655.4(AXIN2):c.938C>T (p.Ser313Phe)

Gene: AXIN2 (axin 2; minus strand). Cytogenetic location: 17q24.1.
Variant type: single nucleotide variant.
Coding change: c.938C>T on transcript NM_004655.4 (MANE Select); coding-DNA position 938, C replaced by T.
Protein change: p.Ser313Phe; replaces serine 313 with phenylalanine.
Molecular consequence: missense variant.
Genome position (GRCh38, 1-based): chr17:65,549,538, G>A on the plus strand (C>T on the coding strand, the complement: AXIN2 is on the minus strand). VCF-style: chr17-65549538-G-A. GRCh37 (hg19) VCF-style: chr17-63545656-G-A.
Other names: c.938C>T, p.Ser313Phe (NM_001363813.1); short protein forms S313F.
Identifiers: ClinVar variation 843661 (VCV000843661.12), dbSNP rs2044162338, ClinGen allele CA400679453.

ClinVar aggregate classification (germline): Uncertain significance. Review status: criteria provided, multiple submitters, no conflicts (2 of 4 stars). 2 submissions from 2 submitters: Uncertain significance (2). Last evaluated 2023-09-08.

Conditions:
Oligodontia-cancer predisposition syndrome. Also called: TOOTH AGENESIS-COLORECTAL CANCER SYNDROME. Identifiers: Orphanet 300576, MedGen C1837750, MONDO:0012075, OMIM 608615. Disease mechanism: loss of function.
Hereditary cancer-predisposing syndrome. Also called: Hereditary Cancer Syndrome; Hereditary neoplastic syndrome; Tumor predisposition; Neoplastic Syndromes, Hereditary. Identifiers: Orphanet 140162, MedGen C0027672, MeSH D009386, MONDO:0015356.

Submissions (2):

Labcorp Genetics (formerly Invitae), Labcorp
Classification: Uncertain significance for Oligodontia-cancer predisposition syndrome. Last evaluated: 2023-09-08. Review status: criteria provided, single submitter. Criteria: Invitae Variant Classification Sherloc (09022015). Collection method: clinical testing. Allele origin: germline.
Comment: This sequence change replaces serine, which is neutral and polar, with phenylalanine, which is neutral and non-polar, at codon 313 of the AXIN2 protein (p.Ser313Phe). This variant is not present in population databases (gnomAD no frequency). In summary, the available evidence is currently insufficient to determine the role of this variant in disease. Therefore, it has been classified as a Variant of Uncertain Significance. This variant has not been reported in the literature in individuals affected with AXIN2-related conditions. ClinVar contains an entry for this variant (Variation ID: 843661). Advanced modeling of protein sequence and biophysical properties (such as structural, functional, and spatial information, amino acid conservation, physicochemical variation, residue mobility, and thermodynamic stability) performed at Invitae indicates that this missense variant is expected to disrupt AXIN2 protein function.

Ambry Genetics
Classification: Uncertain significance for Hereditary cancer-predisposing syndrome. Last evaluated: 2022-06-24. Review status: criteria provided, single submitter. Criteria: Ambry Variant Classification Scheme 2023. Collection method: clinical testing. Allele origin: germline.
Comment: The p.S313F variant (also known as c.938C>T), located in coding exon 2 of the AXIN2 gene, results from a C to T substitution at nucleotide position 938. The serine at codon 313 is replaced by phenylalanine, an amino acid with highly dissimilar properties. This amino acid position is conserved. In addition, this alteration is predicted to be deleterious by in silico analysis. Since supporting evidence is limited at this time, the clinical significance of this alteration remains unclear.